The following is an entry in ClinVar:

NM_003489.4(NRIP1):c.1203A>C (p.Arg401Ser)

Gene: NRIP1 (nuclear receptor interacting protein 1; minus strand). Cytogenetic location: 21q11.2.
Variant type: single nucleotide variant.
Coding change: c.1203A>C on transcript NM_003489.4 (MANE Select); coding-DNA position 1203, A replaced by C.
Protein change: p.Arg401Ser; replaces arginine 401 with serine.
Molecular consequence: missense variant.
Genome position (GRCh38, 1-based): chr21:14,966,990, T>G on the plus strand (A>C on the coding strand, the complement: NRIP1 is on the minus strand). VCF-style: chr21-14966990-T-G. GRCh37 (hg19) VCF-style: chr21-16339311-T-G.
Other names: short protein forms R401S.
Identifiers: ClinVar variation 3345037 (VCV003345037.1).

ClinVar aggregate classification (germline): Uncertain significance (0 of 4 stars; one submission).

Conditions:
NRIP1-related disorder. Also called: NRIP1-related condition.

gnomAD v4.1: 5 of 1,614,154 alleles (0.00031%); highest among the groups gnomAD compares: South Asian, 0.0044%; no homozygotes.

Submission:

PreventionGenetics, part of Exact Sciences
Classification: Uncertain significance for NRIP1-related condition. Last evaluated: 2024-05-03. Review status: no assertion criteria provided. Collection method: clinical testing. Allele origin: germline.
Comment: The NRIP1 c.1203A>C variant is predicted to result in the amino acid substitution p.Arg401Ser. To our knowledge, this variant has not been reported in the literature. This variant is reported in 0.00088% of alleles in individuals of European (Non-Finnish) descent in gnomAD. At this time, the clinical significance of this variant is uncertain due to the absence of conclusive functional and genetic evidence.